The following is an entry in ClinVar:

NM_001849.4(COL6A2):c.1437T>C (p.Ala479=)

Gene: COL6A2 (collagen type VI alpha 2 chain; plus strand). Cytogenetic location: 21q22.3.
Variant type: single nucleotide variant.
Coding change: c.1437T>C on transcript NM_001849.4 (MANE Select); coding-DNA position 1437, T replaced by C.
Protein change: p.Ala479=; no amino-acid change (alanine 479 retained).
Molecular consequence: synonymous variant.
Genome position (GRCh38, 1-based): chr21:46,121,102, T>C. VCF-style: chr21-46121102-T-C. GRCh37 (hg19) VCF-style: chr21-47541016-T-C.
Other names: p.Ala479=; c.1437T>C, p.Ala479= (NM_058174.3, NM_058175.3).
Identifiers: ClinVar variation 194729 (VCV000194729.59), dbSNP rs149077114, ClinGen allele CA240865.

ClinVar aggregate classification (germline): Conflicting classifications of pathogenicity. Review status: criteria provided, conflicting classifications (1 of 4 stars). 9 submissions from 9 submitters: Uncertain significance (1); Benign (2); Likely benign (6). Last evaluated 2026-02-01.

Conditions:
Collagen 6-related myopathy. Identifiers: MedGen CN117976, MONDO:0100225.
Bethlem myopathy 1A. Also called: MYOPATHY, BENIGN CONGENITAL, WITH CONTRACTURES; Bethlem myopathy 1; Bethlem Muscular Dystrophy. Identifiers: Orphanet 610, MedGen CN029274, MONDO:0024530, OMIM 158810.

Allele frequency attached by ClinVar (database versions not stated): 1000 Genomes Project 0.00020; 1000 Genomes Project 30x 0.00031; gnomAD 0.00057; TOPMed 0.00060; gnomAD exomes 0.00069 and 0.00103; ExAC 0.00071; ESP Exome Variant Server 0.00085.

Submissions (9):

CeGaT Center for Human Genetics Tuebingen
Classification: Likely benign. Last evaluated: 2026-02-01. Review status: criteria provided, single submitter. Criteria: CeGaT Center For Human Genetics Tuebingen Variant Classification Criteria Version 2. Collection method: clinical testing. Allele origin: germline. Affected: yes. Observed: 4 variant alleles.
Comment: COL6A2: BP4, BP7

Labcorp Genetics (formerly Invitae), Labcorp
Classification: Likely benign for Bethlem myopathy 1A. Last evaluated: 2026-01-17. Review status: criteria provided, single submitter. Criteria: Invitae Variant Classification Sherloc (09022015). Collection method: clinical testing. Allele origin: germline.

Mayo Clinic Laboratories, Mayo Clinic
Classification: Likely benign. Last evaluated: 2025-09-11. Review status: criteria provided, single submitter. Criteria: ACMG Guidelines, 2015. Collection method: clinical testing. Allele origin: germline. Observed: 1 variant allele.
Comment: BS1, BP4, BP7

Laboratory of Genetics, Children's Clinical University Hospital Latvia
Classification: Benign. Last evaluated: 2025-02-16. Review status: criteria provided, single submitter. Criteria: ACMG Guidelines, 2015. Collection method: clinical testing. Allele origin: germline. Affected: yes.

Blueprint Genetics
Classification: Likely benign. Last evaluated: 2024-10-16. Review status: criteria provided, single submitter. Criteria: ACMG Guidelines, 2015. Collection method: clinical testing. Allele origin: germline.

Eurofins Ntd Llc (ga)
Classification: Uncertain significance. Last evaluated: 2018-04-03. Review status: criteria provided, single submitter. Criteria: EGL ClinVar v180209 classification definitions. Collection method: clinical testing. Allele origin: germline. Observed: 10 variant alleles, 10 heterozygotes.

Illumina Laboratory Services, Illumina
Classification: Benign for Collagen VI-related myopathy. Last evaluated: 2018-01-13. Review status: criteria provided, single submitter. Criteria: ICSL Variant Classification Criteria 13 December 2019. Collection method: clinical testing. Allele origin: germline.
Comment: This variant was observed in the ICSL laboratory as part of a predisposition screen in an ostensibly healthy population. It had not been previously curated by ICSL or reported in the Human Gene Mutation Database (HGMD: prior to June 1st, 2018), and was therefore a candidate for classification through an automated scoring system. Utilizing variant allele frequency, disease prevalence and penetrance estimates, and inheritance mode, an automated score was calculated to assess if this variant is too frequent to cause the disease. Based on the score and internal cut-off values, a variant classified as benign is not then subjected to further curation. The score for this variant resulted in a classification of benign for this disease.

GeneDx
Classification: Likely benign. Last evaluated: 2017-08-25. Review status: criteria provided, single submitter. Criteria: GeneDx Variant Classification (06012015). Collection method: clinical testing. Allele origin: germline. Affected: yes.
Comment: This variant is considered likely benign or benign based on one or more of the following criteria: it is a conservative change, it occurs at a poorly conserved position in the protein, it is predicted to be benign by multiple in silico algorithms, and/or has population frequency not consistent with disease.

PreventionGenetics, part of Exact Sciences
Classification: Likely benign. Review status: criteria provided, single submitter. Criteria: ACMG Guidelines, 2015. Collection method: clinical testing. Allele origin: germline.

Literature cited by the submitters: PubMed 15689448 (cited by Mayo Clinic Laboratories, Mayo Clinic).